The following is an entry in ClinVar:

ClinVar aggregate classification (germline): Uncertain significance (1 of 4 stars; one submission).

Conditions:
Hereditary cancer-predisposing syndrome. Also called: Neoplastic Syndromes, Hereditary; Hereditary Cancer Syndrome; Hereditary neoplastic syndrome; Tumor predisposition. Identifiers: Orphanet 140162, MedGen C0027672, MeSH D009386, MONDO:0015356.

Submission:

Ambry Genetics
Classification: Uncertain significance for Hereditary cancer-predisposing syndrome. Last evaluated: 2023-03-20. Review status: criteria provided, single submitter. Criteria: Ambry Variant Classification Scheme 2023. Collection method: clinical testing. Allele origin: germline.
Comment: The p.A87T variant (also known as c.259G>A), located in coding exon 1 of the ALK gene, results from a G to A substitution at nucleotide position 259. The alanine at codon 87 is replaced by threonine, an amino acid with similar properties. This amino acid position is conserved. In addition, this alteration is predicted to be tolerated by in silico analysis. Since supporting evidence is limited at this time, the clinical significance of this alteration remains unclear.

NM_004304.5(ALK):c.259G>A (p.Ala87Thr)

Gene: ALK (ALK receptor tyrosine kinase; minus strand). Cytogenetic location: 2p23.1.
Variant type: single nucleotide variant.
Coding change: c.259G>A on transcript NM_004304.5 (MANE Select); coding-DNA position 259, G replaced by A.
Protein change: p.Ala87Thr; replaces alanine 87 with threonine.
Molecular consequence: missense variant.
Genome position (GRCh38, 1-based): chr2:29,920,401, C>T on the plus strand (G>A on the coding strand, the complement: ALK is on the minus strand). VCF-style: chr2-29920401-C-T. GRCh37 (hg19) VCF-style: chr2-30143267-C-T.
Other names: short protein forms A87T.
Identifiers: ClinVar variation 2566557 (VCV002566557.2), dbSNP rs2148443610, ClinGen allele CA346590384.